The following is an entry in ClinVar:

NM_001267550.2(TTN):c.52226_52229del (p.Lys17409fs)

Genes: TTN (titin; minus strand), TTN-AS1 (TTN antisense RNA 1; plus strand). Cytogenetic location: 2q31.2.
Variant type: Microsatellite.
Coding change: c.52226_52229del on transcript NM_001267550.2 (MANE Select); coding-DNA positions 52226 to 52229, 4 bases deleted (AAGA; older notation c.52226_52229delAAGA).
Protein change: p.Lys17409fs; shifts the reading frame from lysine 17409.
Molecular consequence: frameshift variant.
Genome position (GRCh38, 1-based): chr2:178,608,782-178,608,785, TCTT deleted on the plus strand (AAGA on the coding strand, the reverse complement: TTN is on the minus strand); deleting any 4 consecutive bases within chr2:178,608,782-178,608,790 gives the same sequence; the c. name uses the placement nearest the transcript's 3' end. VCF-style (leftmost placement, unchanged base first): chr2-178608781-GTCTT-G. GRCh37 (hg19) VCF-style: chr2-179473508-GTCTT-G.
Other names: c.44522_44525delAAGA (NM_133378.4); c.47303_47306del, p.Lys15768fs (NM_001256850.1); c.25031_25034del, p.Lys8344fs (NM_003319.4); c.44522_44525del, p.Lys14841fs (NM_133378.4); c.25406_25409del, p.Lys8469fs (NM_133432.3); c.25607_25610del, p.Lys8536fs (NM_133437.4); short protein forms K14841fs, K8536fs, K15768fs, K8344fs, K8469fs, K17409fs.
Identifiers: ClinVar variation 165996 (VCV000165996.13), dbSNP rs727503615, ClinGen allele CA273277.

ClinVar aggregate classification (germline): Likely pathogenic. Review status: criteria provided, multiple submitters, no conflicts (2 of 4 stars). 2 submissions from 2 submitters: Likely pathogenic (2). Last evaluated 2021-06-23.

Conditions:
Dilated cardiomyopathy 1G (CMD1G). Identifiers: Orphanet 154, MedGen C1858763, MONDO:0011400, OMIM 604145.
Autosomal recessive limb-girdle muscular dystrophy type 2J (LGMDR10). Also called: Limb-girdle muscular dystrophy, type 2J; MUSCULAR DYSTROPHY, LIMB-GIRDLE, AUTOSOMAL RECESSIVE 10. Identifiers: Orphanet 140922, MedGen C1837342, MONDO:0012127, OMIM 608807.
Primary dilated cardiomyopathy (DCM). Also called: Dilated Cardiomyopathy. Identifiers: Orphanet 217604, MedGen C0007193, MeSH D002311, MONDO:0005021, HP:0001644. Inheritance: Various modes of inheritance.

Submissions (2):

Labcorp Genetics (formerly Invitae), Labcorp
Classification: Likely pathogenic for Dilated cardiomyopathy 1G; Autosomal recessive limb-girdle muscular dystrophy type 2J. Last evaluated: 2021-06-23. Review status: criteria provided, single submitter. Criteria: Invitae Variant Classification Sherloc (09022015). Collection method: clinical testing. Allele origin: germline.
Comment: In summary, the currently available evidence indicates that the variant is pathogenic, but additional data are needed to prove that conclusively. Therefore, this variant has been classified as Likely Pathogenic. This variant is located in the A band of TTN (PMID: 25589632). Truncating variants in this region are significantly overrepresented in patients affected with dilated cardiomyopathy (PMID: 25589632). Truncating variants in this region have also been reported in individuals affected with autosomal recessive centronuclear myopathy (PMID: 23975875). This variant has not been reported in the literature in individuals with TTN-related conditions. ClinVar contains an entry for this variant (Variation ID: 165996). This variant is not present in population databases (ExAC no frequency). This sequence change creates a premature translational stop signal (p.Lys17409Thrfs*23) in the TTN gene. While this is not anticipated to result in nonsense mediated decay, it is expected to create a truncated TTN protein.

Laboratory for Molecular Medicine, Mass General Brigham Personalized Medicine
Classification: Likely pathogenic for Primary dilated cardiomyopathy. Last evaluated: 2014-07-17. Review status: criteria provided, single submitter. Criteria: LMM Criteria. Collection method: clinical testing. Allele origin: germline. Observed: 2 variant alleles.
Comment: The Lys14841fs variant in TTN has not been reported in individuals with cardiomy opathy or in large population studies. This frameshift variant is predicted to a lter the protein?s amino acid sequence beginning at position 14841 and lead to a premature termination codon 23 amino acids downstream. This alteration is then predicted to lead to a truncated or absent protein. Frameshift and other truncat ing variants in TTN are strongly associated with DCM and the majority occur in e xons encoding for the A-band region of the protein (Herman 2012, Pugh 2014), whe re this variant is located. In summary, this variant is likely pathogenic, thoug h additional studies are required to fully establish its clinical significance.

Literature cited by the submitters: PubMed 25589632 (cited by Labcorp Genetics (formerly Invitae), Labcorp); PubMed 23975875 (cited by Labcorp Genetics (formerly Invitae), Labcorp).